The following continues an entry in ClinVar:

NM_001267550.2(TTN):c.101227C>T (p.Arg33743Ter)

ClinVar aggregate classification (germline): Pathogenic/Likely pathogenic. Pathogenic (5); Likely pathogenic (2).

Submissions 4 to 7 of 7:

Ambry Genetics
Classification: Pathogenic for Cardiovascular phenotype. Last evaluated: 2025-12-22. Review status: criteria provided, single submitter. Criteria: Ambry Variant Classification Scheme 2023. Collection method: clinical testing. Allele origin: germline.
Comment: The p.R24678* variant (also known as c.74032C>T), located in coding exon 185 of the TTN gene, results from a C to T substitution at nucleotide position 74032. This changes the amino acid from an arginine to a stop codon within coding exon 185. This exon is located in the M-band region of the N2-B isoform of the titin protein and is constitutively expressed in TTN transcripts (percent spliced in or PSI 100%). This variant was identified in one or more individuals with features consistent with dilated cardiomyopathy and segregated with disease in at least one family (Norton N et al. Circ Cardiovasc Genet, 2013 Apr;6:144-53; van Lint FHM et al. Neth Heart J, 2019 Jun;27:304-309; Ambry internal data). Note, this variant is also referred to as NM_133378.4:c.93523C>T, p.R31175*, Arg31175stop, and NM_001267550:c.101227C>T, p.Arg33743* in the literature. This variant is considered to be rare based on population cohorts in the Genome Aggregation Database (gnomAD). This variant is expected to result in loss of function by premature protein truncation or nonsense-mediated mRNA decay. While truncating variants in TTN are present in 1-3% of the general population, truncating variants in the M-band have been reported in association with autosomal recessive titinopathies, primarily presenting with skeletal myopathy phenotypes (Ceyhan-Birsoy O et al. Neurology. 2013 Oct 1;81(14):1205-14; De Cid R et al. Neurology. 2015;85(24):2126-35). Truncating variants in coding exon 185 of the M-band of the N2-B isoform have also been specifically associated with autosomal dominant dilated cardiomyopathy (Vatta M et al. Circ GenomPrecis Med. 2025 Feb:e004982). More generally, TTN truncating variants encoded in constitutive exons (PSI >90%) have been found to be significantly associated with dilated cardiomyopathy (DCM) regardless of their position, although truncating variants in the A-band are the most common cause of DCM (Herman DS et al. N. Engl. J. Med., 2012 Feb;366:619-28; Roberts AM et al. Sci Transl Med, 2015 Jan;7:270ra6; Schafer S et al. Nat. Genet., 2017 01;49:46-53; Akhtar MM et al. Circ Heart Fail, 2020 Oct;13:e006832; Massier M et al. Clin Genet, 2025 Jan). Based on the supporting evidence, this variant is interpreted as a disease-causing mutation.

Fulgent Genetics
Classification: Likely pathogenic for Tibial muscular dystrophy; Myopathy, myofibrillar, 9, with early respiratory failure; Dilated cardiomyopathy 1G; Autosomal recessive limb-girdle muscular dystrophy type 2J; Early-onset myopathy with fatal cardiomyopathy; Hypertrophic cardiomyopathy 9. Last evaluated: 2021-07-20. Review status: criteria provided, single submitter. Criteria: ACMG Guidelines, 2015. Collection method: clinical testing. Allele origin: unknown.

GeneDx
Classification: Likely pathogenic. Last evaluated: 2018-01-30. Review status: criteria provided, single submitter. Criteria: GeneDx Variant Classification (06012015). Collection method: clinical testing. Allele origin: germline. Affected: yes.
Comment: The R32102X likely pathogenic variant (also denoted R31175X due to the use of an alternate transcript) in the TTN gene has been reported previously in association with dilated cardiomyopathy (DCM) and was found to segregate with disease in three individuals from one family who underwent whole exome sequencing (Norton et al., 2013). The R32102X variant is not observed in large population cohorts (Lek et al., 2016). R32102X is predicted to cause loss of normal protein function either due to production of an abnormal, prematurely truncated protein, or by absence of protein product due to nonsense mediated mRNA decay. Nevertheless, R32102X is not located in the A-band region of titin, where the majority of truncating pathogenic variants associated with DCM have been reported (Herman et al., 2012). R32102X is located in the M-band of titin, where other truncating variants have been reported in association with an autosomal recessive early-onset myopathy with cardiomyopathy (Carmignac et al., 2007), and heterozygous parents were reportedly healthy. Lastly, other truncating TTN variants have been reported in approximately 3% of control alleles (Herman et al., 2012).

Juno Genomics, Hangzhou Juno Genomics, Inc
Classification: Pathogenic for Dilated cardiomyopathy 1G. Review status: criteria provided, single submitter. Criteria: ACMG Guidelines, 2015. Collection method: clinical testing. Allele origin: germline.
Comment: Absent from controls (or at extremely low frequency if recessive) in Genome Aggregation Database.;Null variant in a gene where loss of function (LOF) is a known mechanism of disease.;The prevalence of the variant in affected individuals is significantly increased compared to the prevalence in controls.

Literature cited by the submitters: PubMed 23418287 (cited by 3 submitters); PubMed 38148006 (cited by Women's Health and Genetics/Laboratory Corporation of America, LabCorp); PubMed 30847666 (cited by Labcorp Genetics (formerly Invitae), Labcorp and Ambry Genetics); PubMed 33874732 (cited by Labcorp Genetics (formerly Invitae), Labcorp and Ambry Genetics); PubMed 25589632 (cited by Labcorp Genetics (formerly Invitae), Labcorp); PubMed 18948003 (cited by Labcorp Genetics (formerly Invitae), Labcorp); PubMed 23975875 (cited by Labcorp Genetics (formerly Invitae), Labcorp); PubMed 24395473 (cited by Labcorp Genetics (formerly Invitae), Labcorp); PubMed 27869827 (cited by Labcorp Genetics (formerly Invitae), Labcorp); PubMed 32964742 (cited by Labcorp Genetics (formerly Invitae), Labcorp).